The following is an entry in ClinVar:

NM_001127222.2(CACNA1A):c.6463C>T (p.Arg2155Cys)

Gene: CACNA1A (calcium voltage-gated channel subunit alpha1 A; minus strand). Cytogenetic location: 19p13.13.
Variant type: single nucleotide variant.
Coding change: c.6463C>T on transcript NM_001127222.2 (MANE Select); coding-DNA position 6463, C replaced by T.
Protein change: p.Arg2155Cys; replaces arginine 2155 with cysteine.
Molecular consequence: missense variant.
Genome position (GRCh38, 1-based): chr19:13,209,375, G>A on the plus strand (C>T on the coding strand, the complement: CACNA1A is on the minus strand). VCF-style: chr19-13209375-G-A. GRCh37 (hg19) VCF-style: chr19-13320189-G-A.
Other names: c.6481C>T, p.Arg2161Cys (NM_000068.4, NM_023035.3); c.6466C>T, p.Arg2156Cys (NM_001127221.2); c.6472C>T, p.Arg2158Cys (NM_001174080.2); short protein forms R2156C, R2155C, R2158C, R2161C.
Identifiers: ClinVar variation 947289 (VCV000947289.12), dbSNP rs766661019, ClinGen allele CA9239358.

ClinVar aggregate classification (germline): Conflicting classifications of pathogenicity. Review status: criteria provided, conflicting classifications (1 of 4 stars). 3 submissions from 3 submitters: Uncertain significance (2); Likely benign (1). Last evaluated 2024-06-24.

Conditions:
Episodic ataxia type 2 (EA2). Also called: ATAXIA, EPISODIC, WITH NYSTAGMUS; ATAXIA, FAMILIAL PAROXYSMAL; CEREBELLAR ATAXIA, PAROXYSMAL, ACETAZOLAMIDE-RESPONSIVE; CEREBELLOPATHY, HEREDITARY PAROXYSMAL; ACETAZOLAMIDE-RESPONSIVE HEREDITARY PAROXYSMAL CEREBELLAR ATAXIA; EPISODIC ATAXIA, NYSTAGMUS-ASSOCIATED. Identifiers: Orphanet 97, MedGen C1720416, MONDO:0007163, OMIM 108500.
Developmental and epileptic encephalopathy, 42 (DEE42A). Also called: Epileptic encephalopathy, early infantile, 42; DEVELOPMENTAL AND EPILEPTIC ENCEPHALOPATHY 42A; EPILEPTIC ENCEPHALOPATHY, EARLY INFANTILE, 42A. Identifiers: MedGen C4310716, MONDO:0014917, OMIM 617106.

Allele frequency attached by ClinVar (database versions not stated): gnomAD 0.00001 and 0.00002; TOPMed 0.00002; gnomAD exomes 0.00006; ExAC 0.00057.
gnomAD v4.1: 19 of 1,395,714 alleles (0.0014%); highest among the groups gnomAD compares: Middle Eastern, 0.041%; no homozygotes.

Submissions (3):

GeneDx
Classification: Uncertain significance. Last evaluated: 2024-06-24. Review status: criteria provided, single submitter. Criteria: GeneDx Variant Classification Process June 2021. Collection method: clinical testing. Allele origin: germline. Affected: yes.
Comment: In silico analysis supports that this missense variant has a deleterious effect on protein structure/function; Has not been previously published as pathogenic or benign to our knowledge

Labcorp Genetics (formerly Invitae), Labcorp
Classification: Likely benign for Developmental and epileptic encephalopathy, 42; Episodic ataxia type 2. Last evaluated: 2024-04-22. Review status: criteria provided, single submitter. Criteria: Invitae Variant Classification Sherloc (09022015). Collection method: clinical testing. Allele origin: germline.

Blueprint Genetics
Classification: Uncertain significance. Last evaluated: 2023-06-23. Review status: criteria provided, single submitter. Criteria: ACMG Guidelines, 2015. Collection method: clinical testing. Allele origin: germline.